The following is an entry in ClinVar:

ClinVar aggregate classification (germline): Likely pathogenic (1 of 4 stars; one submission).

Conditions:
Primary ciliary dyskinesia. Also called: Ciliary dyskinesia. Identifiers: Orphanet 244, MedGen C0008780, MONDO:0016575, HP:0012265.

gnomAD v4.1: 1 of 1,566,526 alleles (0.000064%); highest among the groups gnomAD compares: Non-Finnish European, 0.000086%; no homozygotes.

Submission:

Labcorp Genetics (formerly Invitae), Labcorp
Classification: Likely pathogenic for Primary ciliary dyskinesia. Last evaluated: 2022-06-20. Review status: criteria provided, single submitter. Criteria: Invitae Variant Classification Sherloc (09022015). Collection method: clinical testing. Allele origin: germline.
Comment: In summary, the currently available evidence indicates that the variant is pathogenic, but additional data are needed to prove that conclusively. Therefore, this variant has been classified as Likely Pathogenic. Variants that disrupt the consensus splice site are a relatively common cause of aberrant splicing (PMID: 17576681, 9536098). Algorithms developed to predict the effect of sequence changes on RNA splicing suggest that this variant may disrupt the consensus splice site. ClinVar contains an entry for this variant (Variation ID: 663567). This variant has been observed in individual(s) with primary ciliary dyskinesia (Invitae). This variant is not present in population databases (gnomAD no frequency). This sequence change falls in intron 30 of the DNAH11 gene. It does not directly change the encoded amino acid sequence of the DNAH11 protein. It affects a nucleotide within the consensus splice site.

Literature cited by the submitters: PubMed 17576681; PubMed 9536098.

NM_001277115.2(DNAH11):c.5328+3A>G

Gene: DNAH11 (dynein axonemal heavy chain 11; plus strand). Cytogenetic location: 7p15.3.
Variant type: single nucleotide variant.
Coding change: c.5328+3A>G on transcript NM_001277115.2 (MANE Select); 3 bases into the intron after coding-DNA position 5328, A replaced by G.
Molecular consequence: intron variant.
Genome position (GRCh38, 1-based): chr7:21,659,034, A>G. VCF-style: chr7-21659034-A-G. GRCh37 (hg19) VCF-style: chr7-21698652-A-G.
Identifiers: ClinVar variation 663567 (VCV000663567.11), dbSNP rs1583570354, ClinGen allele CA915944890.
Genomic context (GRCh38, chr7:21,659,034, plus strand): 5'-CTTCAGTAGACTGGAAGAAGGCTACGAAACAGCCCTGAAGGATTTCCATAAAAAACAGGT[A>G]TTACATAGATTTGTGATTTTGAGACATAAAGGAACTTCAAGATGTAAGCTTGCTTCATTC-3'